The following is an entry in ClinVar:

NM_002474.3(MYH11):c.4541A>T (p.Glu1514Val)

Genes: NDE1 (nudE neurodevelopment protein 1; plus strand), MYH11 (myosin heavy chain 11; minus strand). Cytogenetic location: 16p13.11.
Variant type: single nucleotide variant.
Coding change: c.4541A>T on transcript NM_002474.3 (MANE Select); coding-DNA position 4541, A replaced by T.
Protein change: p.Glu1514Val; replaces glutamic acid 1514 with valine.
Molecular consequence: missense variant. On other transcripts: intron variant (2).
Genome position (GRCh38, 1-based): chr16:15,721,459, T>A on the plus strand (A>T on the coding strand, the complement: MYH11 is on the minus strand). VCF-style: chr16-15721459-T-A. GRCh37 (hg19) VCF-style: chr16-15815316-T-A.
Other names: c.4562A>T, p.Glu1521Val (NM_001040113.2, NM_001040114.2); c.4541A>T, p.Glu1514Val (NM_022844.3); c.948-2732T>A (NM_001143979.2, NM_017668.3); short protein forms E1514V, E1521V.
Identifiers: ClinVar variation 926575 (VCV000926575.4), dbSNP rs2040478111, ClinGen allele CA394854922.

ClinVar aggregate classification (germline): Uncertain significance (1 of 4 stars; one submission).

Conditions:
Familial thoracic aortic aneurysm and aortic dissection (TAAD). Also called: Thoracic aortic aneurysms and dissections. Identifiers: Orphanet 91387, MedGen C4707243, MONDO:0019625.

Allele frequency attached by ClinVar (database versions not stated): gnomAD exomes 0.00001.
gnomAD v4.1: 4 of 1,614,184 alleles (0.00025%); highest among the groups gnomAD compares: South Asian, 0.0033%; no homozygotes.

Submission:

Color Diagnostics, LLC DBA Color Health
Classification: Uncertain significance for Familial thoracic aortic aneurysm and aortic dissection. Last evaluated: 2024-03-06. Review status: criteria provided, single submitter. Criteria: ACMG Guidelines, 2015. Collection method: clinical testing. Allele origin: germline.
Comment: This missense variant replaces glutamic acid with valine at codon 1521 of the MYH11 protein. Computational prediction suggests that this variant may have deleterious impact on protein structure and function (internally defined REVEL score threshold >= 0.7, PMID: 27666373). Splice site prediction tools suggest that this variant may not impact RNA splicing. To our knowledge, functional studies have not been reported for this variant. This variant has not been reported in individuals affected with cardiovascular disorders in the literature. This variant has not been identified in the general population by the Genome Aggregation Database (gnomAD). The available evidence is insufficient to determine the role of this variant in disease conclusively. Therefore, this variant is classified as a Variant of Uncertain Significance.